The following is an entry in ClinVar:

ClinVar aggregate classification (germline): Pathogenic (1 of 4 stars; one submission).

Conditions:
Fanconi anemia (FA). Also called: Fanconi's anemia. Identifiers: Orphanet 84, MedGen C0015625, MeSH D005199, MONDO:0019391.

Submission:

Labcorp Genetics (formerly Invitae), Labcorp
Classification: Pathogenic for Fanconi anemia. Last evaluated: 2020-06-14. Review status: criteria provided, single submitter. Criteria: Invitae Variant Classification Sherloc (09022015). Collection method: clinical testing. Allele origin: germline.
Comment: This variant has not been reported in the literature in individuals with FANCA-related conditions. This variant is not present in population databases (ExAC no frequency). This sequence change creates a premature translational stop signal (p.Gln767*) in the FANCA gene. It is expected to result in an absent or disrupted protein product. Loss-of-function variants in FANCA are known to be pathogenic (PMID: 19367192). For these reasons, this variant has been classified as Pathogenic.

Literature cited by the submitters: PubMed 19367192.

NM_000135.4(FANCA):c.2299C>T (p.Gln767Ter)

Gene: FANCA (FA complementation group A; minus strand). Cytogenetic location: 16q24.3.
Variant type: single nucleotide variant.
Coding change: c.2299C>T on transcript NM_000135.4 (MANE Select); coding-DNA position 2299, C replaced by T.
Protein change: p.Gln767Ter; replaces glutamine 767 with a stop codon.
Molecular consequence: nonsense.
Genome position (GRCh38, 1-based): chr16:89,770,183, G>A on the plus strand (C>T on the coding strand, the complement: FANCA is on the minus strand). VCF-style: chr16-89770183-G-A. GRCh37 (hg19) VCF-style: chr16-89836591-G-A.
Other names: c.2299C>T, p.Gln767Ter (NM_001286167.3); short protein forms Q767*.
Identifiers: ClinVar variation 1071407 (VCV001071407.7), dbSNP rs947786901, ClinGen allele CA397445025.